The following is an entry in ClinVar:

ClinVar aggregate classification (germline): Uncertain significance. Review status: criteria provided, multiple submitters, no conflicts (2 of 4 stars). 7 submissions from 7 submitters: Uncertain significance (4). 3 of the submissions do not count toward it. Last evaluated 2026-05-27.

Conditions:
Inborn genetic diseases. Identifiers: MedGen C0950123, MeSH D030342.
Fanconi anemia (FA). Also called: Fanconi's anemia. Identifiers: Orphanet 84, MedGen C0015625, MeSH D005199, MONDO:0019391.
Fanconi anemia complementation group A (FANCA). Also called: Fanconi anemia, group A; FANCA-Related Fanconi Anemia. Identifiers: Orphanet 84, MedGen C3469521, MONDO:0009215, OMIM 227650.

Allele frequency attached by ClinVar (database versions not stated): TOPMed below 0.00001; gnomAD exomes below 0.00001.
gnomAD v4.1: 6 of 1,613,580 alleles (0.00037%); highest among the groups gnomAD compares: South Asian, 0.0033%; no homozygotes.

Submissions (7):

Ambry Genetics
Classification: Uncertain significance for Inborn genetic diseases. Last evaluated: 2026-05-27. Review status: criteria provided, single submitter. Criteria: Ambry Variant Classification Scheme 2023. Collection method: clinical testing. Allele origin: germline.

Labcorp Genetics (formerly Invitae), Labcorp
Classification: Uncertain significance for Fanconi anemia. Last evaluated: 2025-06-23. Review status: criteria provided, single submitter. Criteria: Invitae Variant Classification Sherloc (09022015). Collection method: clinical testing. Allele origin: germline.
Comment: This sequence change replaces arginine, which is basic and polar, with threonine, which is neutral and polar, at codon 1439 of the FANCA protein (p.Arg1439Thr). This variant is present in population databases (rs587778322, gnomAD 0.003%). This variant has not been reported in the literature in individuals affected with FANCA-related conditions. ClinVar contains an entry for this variant (Variation ID: 134285). Invitae Evidence Modeling of protein sequence and biophysical properties (such as structural, functional, and spatial information, amino acid conservation, physicochemical variation, residue mobility, and thermodynamic stability) has been performed for this missense variant. However, the output from this modeling did not meet the statistical confidence thresholds required to predict the impact of this variant on FANCA protein function. In summary, the available evidence is currently insufficient to determine the role of this variant in disease. Therefore, it has been classified as a Variant of Uncertain Significance.

Fulgent Genetics
Classification: Uncertain significance for Fanconi anemia complementation group A. Last evaluated: 2024-04-19. Review status: criteria provided, single submitter. Criteria: ACMG Guidelines, 2015. Collection method: clinical testing. Allele origin: germline.

Quest Diagnostics Nichols Institute San Juan Capistrano
Classification: Uncertain significance. Last evaluated: 2023-02-06. Review status: criteria provided, single submitter. Criteria: Quest Diagnostics criteria. Collection method: clinical testing. Allele origin: unknown.
Comment: The frequency of this variant in the general population, 0.0000081 (2/248020 chromosomes), is uninformative in assessment of its pathogenicity. In the published literature, the variant has been reported in healthy individuals of African descent (PMID: 24728327 (2014)). Analysis of this variant using bioinformatics tools for the prediction of the effect of amino acid changes on protein structure and function yielded predictions that this variant is benign. Based on the available information, we are unable to determine the clinical significance of this variant.

Natera, Inc.
Classification: Uncertain significance for Fanconi anemia. Last evaluated: 2020-08-27. Review status: no assertion criteria provided. Collection method: clinical testing. Allele origin: germline. Not counted in ClinVar's aggregate classification.

Counsyl
Classification: Uncertain significance for Fanconi anemia complementation group A. Last evaluated: 2017-12-20. Review status: no assertion criteria provided. Collection method: clinical testing. Allele origin: unknown. Not counted in ClinVar's aggregate classification.

ITMI
No classification provided. Condition: AllHighlyPenetrant. Last evaluated: 2013-09-19. Review status: no classification provided. Collection method: reference population. Allele origin: germline. Not counted in ClinVar's aggregate classification.
Comment: Please see associated publication for description of ethnicities

Literature cited by the submitters: PubMed 24728327 (cited by 3 submitters).

NM_000135.4(FANCA):c.4316G>C (p.Arg1439Thr)

Genes: FANCA (FA complementation group A; minus strand), ZNF276 (zinc finger protein 276; plus strand). Cytogenetic location: 16q24.3.
Variant type: single nucleotide variant.
Coding change: c.4316G>C on transcript NM_000135.4 (MANE Select); coding-DNA position 4316, G replaced by C.
Protein change: p.Arg1439Thr; replaces arginine 1439 with threonine.
Molecular consequence: missense variant. On other transcripts: 3 prime UTR variant (3), non-coding transcript variant (4).
Genome position (GRCh38, 1-based): chr16:89,738,653, C>G on the plus strand (G>C on the coding strand, the complement: FANCA is on the minus strand). VCF-style: chr16-89738653-C-G. GRCh37 (hg19) VCF-style: chr16-89805061-C-G.
Other names: c.4316G>C (NM_000135.3); c.*45G>C (NM_001286167.3); c.*407C>G (NM_001113525.2, NM_152287.4); short protein forms R1439T.
Identifiers: ClinVar variation 134285 (VCV000134285.14), dbSNP rs587778322, ClinGen allele CA159356.